The following is an entry in ClinVar:

NM_001042492.3(NF1):c.7328_7331del (p.Leu2443fs)

Gene: NF1 (neurofibromin 1; plus strand). Cytogenetic location: 17q11.2.
Variant type: Microsatellite.
Coding change: c.7328_7331del on transcript NM_001042492.3 (MANE Select); coding-DNA positions 7328 to 7331, 4 bases deleted (TTAC; older notation c.7328_7331delTTAC).
Protein change: p.Leu2443fs; shifts the reading frame from leucine 2443.
Molecular consequence: frameshift variant.
Genome position (GRCh38, 1-based): chr17:31,350,189-31,350,192, TTAC deleted; deleting any 4 consecutive bases within chr17:31,350,185-31,350,192 gives the same sequence; the c. name uses the placement nearest the transcript's 3' end. VCF-style (leftmost placement, unchanged base first): chr17-31350184-TTTAC-T. GRCh37 (hg19) VCF-style: chr17-29677202-TTTAC-T.
Other names: c.7265_7268delTTAC (NM_000267.3); c.7261_7264TTAC[1], p.Leu2422Glnfs (NM_000267.4); short protein forms L2422fs, L2443fs.
Identifiers: ClinVar variation 653486 (VCV000653486.5), dbSNP rs1597859566, ClinGen allele CA915949842.
Genomic context (GRCh38, chr17:31,350,184, plus strand): 5'-GTTTTAAGTCACACTTGTGATTTGTTAAATTTTTTAACCTGCCACCGTTTTCCTTTTAGC[TTTAC>T]TTACAGTGTCTGAAGAAGTTCGAAGTCGCTGCAGCCTAAAACATAGAAAGTCACTTCTTC-3'

ClinVar aggregate classification (germline): Pathogenic (1 of 4 stars; one submission).

Conditions:
Neurofibromatosis, type 1 (NF1). Also called: VON RECKLINGHAUSEN DISEASE; NEUROFIBROMATOSIS, TYPE I, SOMATIC; Peripheral type neurofibromatosis; Neurofibromatosis, type I. Identifiers: Orphanet 636, MedGen C0027831, MONDO:0018975, OMIM 162200. Disease mechanism: loss of function.

Submission:

Labcorp Genetics (formerly Invitae), Labcorp
Classification: Pathogenic for Neurofibromatosis, type 1. Last evaluated: 2018-09-12. Review status: criteria provided, single submitter. Criteria: Invitae Variant Classification Sherloc (09022015). Collection method: clinical testing. Allele origin: germline.
Comment: This sequence change creates a premature translational stop signal (p.Leu2422Glnfs*12) in the NF1 gene. It is expected to result in an absent or disrupted protein product. This variant is not present in population databases (ExAC no frequency). For these reasons, this variant has been classified as Pathogenic. Loss-of-function variants in NF1 are known to be pathogenic (PMID: 10712197, 23913538). This variant has not been reported in the literature in individuals with NF1-related disease.

Literature cited by the submitters: PubMed 10712197; PubMed 23913538.